The following is an entry in ClinVar:

NM_000334.4(SCN4A):c.749T>G (p.Leu250Arg)

Gene: SCN4A (sodium voltage-gated channel alpha subunit 4; minus strand). Cytogenetic location: 17q23.3.
Variant type: single nucleotide variant.
Coding change: c.749T>G on transcript NM_000334.4 (MANE Select); coding-DNA position 749, T replaced by G.
Protein change: p.Leu250Arg; replaces leucine 250 with arginine.
Molecular consequence: missense variant.
Genome position (GRCh38, 1-based): chr17:63,968,310, A>C on the plus strand (T>G on the coding strand, the complement: SCN4A is on the minus strand). VCF-style: chr17-63968310-A-C. GRCh37 (hg19) VCF-style: chr17-62045670-A-C.
Other names: short protein forms L250R.
Identifiers: ClinVar variation 943942 (VCV000943942.10), dbSNP rs1057521065, ClinGen allele CA400637779.

ClinVar aggregate classification (germline): Likely pathogenic (1 of 4 stars; one submission).

Conditions:
Hyperkalemic periodic paralysis. Also called: Familial hyperkalemic periodic paralysis; Gamstorp disease. Identifiers: Orphanet 682, MedGen C0238357, MONDO:0008224, OMIM 170500, HP:0007215.

Submission:

Labcorp Genetics (formerly Invitae), Labcorp
Classification: Likely pathogenic for Hyperkalemic periodic paralysis. Last evaluated: 2024-04-19. Review status: criteria provided, single submitter. Criteria: Invitae Variant Classification Sherloc (09022015). Collection method: clinical testing. Allele origin: germline.
Comment: This sequence change replaces leucine, which is neutral and non-polar, with arginine, which is basic and polar, at codon 250 of the SCN4A protein (p.Leu250Arg). This variant is not present in population databases (gnomAD no frequency). This missense change has been observed in individual(s) with clinical features of paramyotonia congenita (Invitae). ClinVar contains an entry for this variant (Variation ID: 943942). Advanced modeling of protein sequence and biophysical properties (such as structural, functional, and spatial information, amino acid conservation, physicochemical variation, residue mobility, and thermodynamic stability) performed at Invitae indicates that this missense variant is expected to disrupt SCN4A protein function with a positive predictive value of 95%. This variant disrupts the p.Leu250 amino acid residue in SCN4A. Other variant(s) that disrupt this residue have been determined to be pathogenic (PMID: 19876661). This suggests that this residue is clinically significant, and that variants that disrupt this residue are likely to be disease-causing. In summary, the currently available evidence indicates that the variant is pathogenic, but additional data are needed to prove that conclusively. Therefore, this variant has been classified as Likely Pathogenic.

Literature cited by the submitters: PubMed 19876661.